The following is an entry in ClinVar:

NM_001365792.1(DAB1):c.860G>A (p.Ser287Asn)

Gene: DAB1 (DAB adaptor protein 1; minus strand). Cytogenetic location: 1p32.2.
Variant type: single nucleotide variant.
Coding change: c.860G>A on transcript NM_001365792.1 (MANE Select); coding-DNA position 860, G replaced by A.
Protein change: p.Ser287Asn; replaces serine 287 with asparagine.
Molecular consequence: missense variant.
Genome position (GRCh38, 1-based): chr1:57,023,566, C>T on the plus strand (G>A on the coding strand, the complement: DAB1 is on the minus strand). VCF-style: chr1-57023566-C-T. GRCh37 (hg19) VCF-style: chr1-57489239-C-T.
Other names: c.860G>A, p.Ser287Asn (NM_001353983.2, NM_001353985.2, NM_001365793.1 and 3 more transcripts); c.854G>A, p.Ser285Asn (NM_001353986.2, NM_001379461.1); short protein forms S285N, S287N.
Identifiers: ClinVar variation 3041471 (VCV003041471.2), dbSNP rs34341631, ClinGen allele CA876370.

ClinVar aggregate classification (germline): Benign (0 of 4 stars; one submission).

Conditions:
DAB1-related disorder. Also called: DAB1-related condition.

Allele frequency attached by ClinVar (database versions not stated): 1000 Genomes Project 0.00559; 1000 Genomes Project 30x 0.00578; TOPMed 0.01099; gnomAD 0.01228; ESP Exome Variant Server 0.01299; gnomAD exomes 0.01404; ExAC 0.01786.

Submission:

PreventionGenetics, part of Exact Sciences
Classification: Benign for DAB1-related condition. Last evaluated: 2019-07-08. Review status: no assertion criteria provided. Collection method: clinical testing. Allele origin: germline.
Comment: This variant is classified as benign based on ACMG/AMP sequence variant interpretation guidelines (Richards et al. 2015 PMID: 25741868, with internal and published modifications).